The following is an entry in ClinVar:

ClinVar aggregate classification (germline): Uncertain significance. Review status: criteria provided, multiple submitters, no conflicts (2 of 4 stars). 8 submissions from 8 submitters: Uncertain significance (7). 1 of the submissions does not count toward it. Last evaluated 2025-11-28.

Conditions:
HPS1-related disorder. Also called: HPS1-related condition.
Hermansky-Pudlak syndrome 1 (HPS1). Also called: DELTA STORAGE POOL DISEASE. Identifiers: Orphanet 231500, Orphanet 79430, MedGen C2931875, MONDO:0008748, OMIM 203300.

Allele frequency attached by ClinVar (database versions not stated): 1000 Genomes Project 30x 0.00031; 1000 Genomes Project 0.00040; gnomAD 0.00049 and 0.00050; gnomAD exomes 0.00053 and 0.00076; ExAC 0.00054; TOPMed 0.00054; ESP Exome Variant Server 0.00085.
gnomAD v4.1: 1,179 of 1,609,146 alleles (0.073%); highest among the groups gnomAD compares: Non-Finnish European, 0.091%; no homozygotes.

Submissions (8):

Women's Health and Genetics/Laboratory Corporation of America, LabCorp
Classification: Uncertain significance. Last evaluated: 2025-11-28. Review status: criteria provided, single submitter. Criteria: LabCorp Variant Classification Summary - May 2015. Collection method: clinical testing. Allele origin: germline.
Comment: Variant summary: HPS1 c.1915G>A (p.Gly639Ser) results in a non-conservative amino acid change located in the third Longin domain (IPR043970) of the encoded protein sequence. Algorithms developed to predict the effect of missense changes on protein structure and function are either unavailable or do not agree on the potential impact of this missense change. The variant allele was found at a frequency of 0.00053 in 249082 control chromosomes. This frequency is not significantly higher than estimated for disease-causing variants in HPS1, allowing no conclusion about variant significance. c.1915G>A has been observed in individual(s) affected with clinical features of Hermansky-Pudlak Syndrome (Stearman_2019). These report(s) do not provide unequivocal conclusions about association of the variant with Hermansky-Pudlak Syndrome. At least one publication reports experimental evidence evaluating an impact on protein function and found it has no damaging impact on protein stability, however, this does not allow for strong conclusions about the overall variant effect on protein function (Stearman_2019). The following publication has been ascertained in the context of this evaluation (PMID: 30985222). ClinVar contains an entry for this variant (Variation ID: 289062). Based on the evidence outlined above, the variant was classified as uncertain significance.

Blueprint Genetics
Classification: Uncertain significance. Last evaluated: 2024-11-27. Review status: criteria provided, single submitter. Criteria: ACMG Guidelines, 2015. Collection method: clinical testing. Allele origin: germline.

Fulgent Genetics
Classification: Uncertain significance for Hermansky-Pudlak syndrome 1. Last evaluated: 2024-04-29. Review status: criteria provided, single submitter. Criteria: ACMG Guidelines, 2015. Collection method: clinical testing. Allele origin: germline.

Mayo Clinic Laboratories, Mayo Clinic
Classification: Uncertain significance. Last evaluated: 2023-10-25. Review status: criteria provided, single submitter. Criteria: ACMG Guidelines, 2015. Collection method: clinical testing. Allele origin: germline. Observed: 1 variant allele.
Comment: PM1_supporting, PM2_moderate

PreventionGenetics, part of Exact Sciences
Classification: Uncertain significance for HPS1-related condition. Last evaluated: 2023-10-03. Review status: criteria provided, single submitter. Criteria: ACMG Guidelines, 2015. Collection method: clinical testing. Allele origin: germline.
Comment: The HPS1 c.1915G>A variant is predicted to result in the amino acid substitution p.Gly639Ser. This variant was reported in an individual with Hermansky-Pudlak syndrome (Stearman. 2019. PubMed ID: 30985222). This variant is reported in 0.086% of alleles in individuals of Latino descent in gnomAD. At this time, the clinical significance of this variant is uncertain due to the absence of conclusive functional and genetic evidence.

Labcorp Genetics (formerly Invitae), Labcorp
Classification: Uncertain significance. Last evaluated: 2022-10-17. Review status: criteria provided, single submitter. Criteria: Invitae Variant Classification Sherloc (09022015). Collection method: clinical testing. Allele origin: germline.
Comment: This sequence change replaces glycine, which is neutral and non-polar, with serine, which is neutral and polar, at codon 639 of the HPS1 protein (p.Gly639Ser). This variant is present in population databases (rs116698870, gnomAD 0.09%), and has an allele count higher than expected for a pathogenic variant. This missense change has been observed in individual(s) with Hermansky-Pudlak syndrome and associated pulmonary fibrosis (PMID: 30985222). ClinVar contains an entry for this variant (Variation ID: 289062). Advanced modeling of protein sequence and biophysical properties (such as structural, functional, and spatial information, amino acid conservation, physicochemical variation, residue mobility, and thermodynamic stability) performed at Invitae indicates that this missense variant is expected to disrupt HPS1 protein function. In summary, the available evidence is currently insufficient to determine the role of this variant in disease. Therefore, it has been classified as a Variant of Uncertain Significance.

Eurofins Ntd Llc (ga)
Classification: Uncertain significance. Last evaluated: 2016-08-19. Review status: criteria provided, single submitter. Criteria: EGL Classification Definitions 2015. Collection method: clinical testing. Allele origin: germline. Observed: 1 variant allele, 1 heterozygote.

Zotz-Klimas Genetics Lab, MVZ Zotz Klimas
Classification: Uncertain significance for Hermansky-Pudlak syndrome 1. Last evaluated: 2023-11-24. Review status: no assertion criteria provided. Collection method: clinical testing. Allele origin: germline. Affected: yes. Not counted in ClinVar's aggregate classification.

Literature cited by the submitters: PubMed 30985222 (cited by 3 submitters); PubMed 31880485 (cited by Mayo Clinic Laboratories, Mayo Clinic).

NM_000195.5(HPS1):c.1915G>A (p.Gly639Ser)

Gene: HPS1 (HPS1 biogenesis of lysosomal organelles complex 3 subunit 1; minus strand). Cytogenetic location: 10q24.2.
Variant type: single nucleotide variant.
Coding change: c.1915G>A on transcript NM_000195.5 (MANE Select); coding-DNA position 1915, G replaced by A.
Protein change: p.Gly639Ser; replaces glycine 639 with serine.
Molecular consequence: missense variant.
Genome position (GRCh38, 1-based): chr10:98,418,200, C>T on the plus strand (G>A on the coding strand, the complement: HPS1 is on the minus strand). VCF-style: chr10-98418200-C-T. GRCh37 (hg19) VCF-style: chr10-100177957-C-T.
Other names: p.Gly639Ser; c.1915G>A (NM_000195.4); c.943G>A, p.Gly315Ser (NM_001311345.2, NM_001322487.2, NM_001322489.2); c.1915G>A, p.Gly639Ser (NM_001322476.2, NM_001322477.2); c.1816G>A, p.Gly606Ser (NM_001322478.2, NM_001322479.2); c.1654G>A, p.Gly552Ser (NM_001322480.2, NM_001322481.2); c.1555G>A, p.Gly519Ser (NM_001322482.2); c.1546G>A, p.Gly516Ser (NM_001322483.2, NM_001322484.2); and 1 more; short protein forms G639S, G315S, G516S, G552S, G483S, G519S, G606S.
Identifiers: ClinVar variation 289062 (VCV000289062.19), dbSNP rs116698870, ClinGen allele CA5638839.